The following is an entry in ClinVar:

ClinVar aggregate classification (germline): Uncertain significance (1 of 4 stars; one submission).

Conditions:
Inborn genetic diseases. Identifiers: MedGen C0950123, MeSH D030342.

Submission:

Ambry Genetics
Classification: Uncertain significance for Inborn genetic diseases. Last evaluated: 2025-02-02. Review status: criteria provided, single submitter. Criteria: Ambry Variant Classification Scheme 2023. Collection method: clinical testing. Allele origin: germline.
Comment: The p.D369N variant (also known as c.1105G>A), located in coding exon 9 of the CEP57 gene, results from a G to A substitution at nucleotide position 1105. The aspartic acid at codon 369 is replaced by asparagine, an amino acid with highly similar properties. This amino acid position is conserved. In addition, this alteration is predicted to be tolerated by in silico analysis. Based on the available evidence, the clinical significance of this variant remains unclear.

NM_014679.5(CEP57):c.1105G>A (p.Asp369Asn)

Gene: CEP57 (centrosomal protein 57; plus strand). Cytogenetic location: 11q21.
Variant type: single nucleotide variant.
Coding change: c.1105G>A on transcript NM_014679.5 (MANE Select); coding-DNA position 1105, G replaced by A.
Protein change: p.Asp369Asn; replaces aspartic acid 369 with asparagine.
Molecular consequence: missense variant.
Genome position (GRCh38, 1-based): chr11:95,828,005, G>A. VCF-style: chr11-95828005-G-A. GRCh37 (hg19) VCF-style: chr11-95561169-G-A.
Other names: c.1078G>A, p.Asp360Asn (NM_001243776.2); c.1027G>A, p.Asp343Asn (NM_001243777.2); c.1024G>A, p.Asp342Asn (NM_001363604.2); short protein forms D360N, D369N, D342N, D343N.
Identifiers: ClinVar variation 3831981 (VCV003831981.1).